The following is an entry in ClinVar:

NM_000535.7(PMS2):c.41C>T (p.Ala14Val)

Gene: PMS2 (PMS1 homolog 2, mismatch repair system component; minus strand). Cytogenetic location: 7p22.1.
Variant type: single nucleotide variant.
Coding change: c.41C>T on transcript NM_000535.7 (MANE Select); coding-DNA position 41, C replaced by T.
Protein change: p.Ala14Val; replaces alanine 14 with valine.
Molecular consequence: missense variant. On other transcripts: 5 prime UTR variant (8), non-coding transcript variant (1), intron variant (3).
Genome position (GRCh38, 1-based): chr7:6,006,014, G>A on the plus strand (C>T on the coding strand, the complement: PMS2 is on the minus strand). VCF-style: chr7-6006014-G-A. GRCh37 (hg19) VCF-style: chr7-6045645-G-A.
Other names: c.-365C>T (NM_001322003.2, NM_001322005.2, NM_001322009.2 and 1 more transcripts); c.41C>T, p.Ala14Val (NM_001322006.2, NM_001322014.2); c.-175C>T (NM_001322007.2); c.-844C>T (NM_001322011.2, NM_001322012.2); c.-444C>T (NM_001322015.2); c.-52-1956C>T (NM_001322008.2); c.-242-1956C>T (NM_001322010.2, NM_001322004.2); short protein forms A14V.
Identifiers: ClinVar variation 419149 (VCV000419149.14), dbSNP rs750524554, ClinGen allele CA16618546.
Genomic context (GRCh38, chr7:6,006,014, plus strand): 5'-CTCAGTACCACCTGCCCAGAGCAAATCTGATGGACTGACTTCCGATCAATAGGTTTGATG[G>A]CCTTAGCAGGTTCTGTACTAGAGAAATCAGTTACAAGAAACAAATCAAGTATTCAGCTAT-3'
Protein context (NP_000526.2, residues 4-24): AESSSTEPAK[Ala14Val]IKPIDRKSVH

ClinVar aggregate classification (germline): Uncertain significance. Review status: criteria provided, multiple submitters, no conflicts (2 of 4 stars). 3 submissions from 3 submitters: Uncertain significance (3). Last evaluated 2019-11-28.

Conditions:
Hereditary cancer-predisposing syndrome. Also called: Hereditary neoplastic syndrome; Tumor predisposition; Neoplastic Syndromes, Hereditary; Hereditary Cancer Syndrome. Identifiers: Orphanet 140162, MedGen C0027672, MeSH D009386, MONDO:0015356.
Hereditary nonpolyposis colorectal neoplasms. Identifiers: MedGen C0009405, MeSH D003123.

Submissions (3):

Labcorp Genetics (formerly Invitae), Labcorp
Classification: Uncertain significance for Hereditary nonpolyposis colorectal neoplasms. Last evaluated: 2019-11-28. Review status: criteria provided, single submitter. Criteria: Invitae Variant Classification Sherloc (09022015). Collection method: clinical testing. Allele origin: germline.
Comment: In summary, the available evidence is currently insufficient to determine the role of this variant in disease. Therefore, it has been classified as a Variant of Uncertain Significance. Algorithms developed to predict the effect of sequence changes on RNA splicing suggest that this variant may create or strengthen a splice site, but this prediction has not been confirmed by published transcriptional studies. Algorithms developed to predict the effect of missense changes on protein structure and function output the following: SIFT: "Tolerated"; PolyPhen-2: "Benign"; Align-GVGD: "Class C0". The valine amino acid residue is found in multiple mammalian species, suggesting that this missense change does not adversely affect protein function. These predictions have not been confirmed by published functional studies and their clinical significance is uncertain. This variant has not been reported in the literature in individuals with PMS2-related conditions. ClinVar contains an entry for this variant (Variation ID: 419149). This variant is not present in population databases (ExAC no frequency). This sequence change replaces alanine with valine at codon 14 of the PMS2 protein (p.Ala14Val). The alanine residue is weakly conserved and there is a small physicochemical difference between alanine and valine.

Ambry Genetics
Classification: Uncertain significance for Hereditary cancer-predisposing syndrome. Last evaluated: 2019-02-21. Review status: criteria provided, single submitter. Criteria: Ambry Variant Classification Scheme 2023. Collection method: clinical testing. Allele origin: germline.
Comment: The p.A14V variant (also known as c.41C>T), located in coding exon 2 of the PMS2 gene, results from a C to T substitution at nucleotide position 41. The alanine at codon 14 is replaced by valine, an amino acid with similar properties. This amino acid position is well conserved in available vertebrate species. In addition, the in silico prediction for this alteration is inconclusive. Since supporting evidence is limited at this time, the clinical significance of this alteration remains unclear.

GeneDx
Classification: Uncertain significance. Last evaluated: 2015-05-29. Review status: criteria provided, single submitter. Criteria: GeneDx Variant Classification (06012015). Collection method: clinical testing. Allele origin: germline. Affected: yes.
Comment: This variant is denoted PMS2 c.41C>T at the cDNA level, p.Ala14Val (A14V) at the protein level, and results in the change of an Alanine to a Valine (GCC>GTC). This variant has not, to our knowledge, been published in the literature as pathogenic or benign. PMS2 Ala14Val was not observed in approximately 6,500 individuals of European and African American ancestry in the NHLBI Exome Sequencing Project, indicating it is not a common benign variant in these populations. Since Alanine and Valine share similar properties, this is considered a conservative amino acid substitution. PMS2 Ala14Val occurs at a position that is not conserved and is located in the ATPase domain (Fukui 2011). In silico analyses are inconsistent regarding the effect this variant may have on protein structure and function. Based on currently available information, it is unclear whether PMS2 Ala14Val is pathogenic or benign. We consider it to be a variant of uncertain significance.